The following is an entry in ClinVar:

NM_003998.4(NFKB1):c.1406A>T (p.Asp469Val)

Gene: NFKB1 (nuclear factor kappa B subunit 1; plus strand). Cytogenetic location: 4q24.
Variant type: single nucleotide variant.
Coding change: c.1406A>T on transcript NM_003998.4 (MANE Select); coding-DNA position 1406, A replaced by T.
Protein change: p.Asp469Val; replaces aspartic acid 469 with valine.
Molecular consequence: missense variant.
Genome position (GRCh38, 1-based): chr4:102,596,243, A>T. VCF-style: chr4-102596243-A-T. GRCh37 (hg19) VCF-style: chr4-103517400-A-T.
Other names: c.1403A>T, p.Asp468Val (NM_001165412.2, NM_001319226.2, NM_001382627.1); c.1406A>T, p.Asp469Val (NM_001382625.1, NM_001382626.1); c.1364A>T, p.Asp455Val (NM_001382628.1); short protein forms D455V, D468V, D469V.
Identifiers: ClinVar variation 2847524 (VCV002847524.3), dbSNP rs113440082, ClinGen allele CA357751034.
Genomic context (GRCh38, chr4:102,596,243, plus strand): 5'-AAAGTGATGACAAAAACACTGTAAACCTCTTTGGGAAAGTTATTGAAACCACAGAGCAAG[A>T]TCAGGAGCCCAGCGAGGCCACCGTTGGGAATGGTGAGGTCACTCTAACGTATGCAACAGG-3'
Protein context (NP_003989.2, residues 459-479): FGKVIETTEQ[Asp469Val]QEPSEATVGN

ClinVar aggregate classification (germline): Uncertain significance (1 of 4 stars; one submission).

Submission:

Labcorp Genetics (formerly Invitae), Labcorp
Classification: Uncertain significance. Last evaluated: 2023-08-20. Review status: criteria provided, single submitter. Criteria: Invitae Variant Classification Sherloc (09022015). Collection method: clinical testing. Allele origin: germline.
Comment: In summary, the available evidence is currently insufficient to determine the role of this variant in disease. Therefore, it has been classified as a Variant of Uncertain Significance. An algorithm developed to predict the effect of missense changes on protein structure and function (PolyPhen-2) suggests that this variant is likely to be tolerated. This variant has not been reported in the literature in individuals affected with NFKB1-related conditions. This variant is not present in population databases (gnomAD no frequency). This sequence change replaces aspartic acid, which is acidic and polar, with valine, which is neutral and non-polar, at codon 469 of the NFKB1 protein (p.Asp469Val).